The following is an entry in ClinVar:

ClinVar aggregate classification (germline): Likely benign (1 of 4 stars; one submission).

gnomAD v4.1: 68 of 1,611,974 alleles (0.0042%); highest among the groups gnomAD compares: Non-Finnish European, 0.0053%; no homozygotes.

Submission:

CeGaT Center for Human Genetics Tuebingen
Classification: Likely benign. Last evaluated: 2025-08-01. Review status: criteria provided, single submitter. Criteria: CeGaT Center For Human Genetics Tuebingen Variant Classification Criteria Version 2. Collection method: clinical testing. Allele origin: germline. Affected: yes. Observed: 1 variant allele.
Comment: SPTBN1: BP4, BP7

NM_003128.3(SPTBN1):c.1653A>G (p.Val551=)

Gene: SPTBN1 (spectrin beta, non-erythrocytic 1; plus strand). Cytogenetic location: 2p16.2.
Variant type: single nucleotide variant.
Coding change: c.1653A>G on transcript NM_003128.3 (MANE Select); coding-DNA position 1653, A replaced by G.
Protein change: p.Val551=; no amino-acid change (valine 551 retained).
Molecular consequence: synonymous variant.
Genome position (GRCh38, 1-based): chr2:54,628,105, A>G. VCF-style: chr2-54628105-A-G. GRCh37 (hg19) VCF-style: chr2-54855242-A-G.
Other names: c.1614A>G, p.Val538= (NM_178313.3).
Identifiers: ClinVar variation 4083871 (VCV004083871.8).